The following is an entry in ClinVar:

ClinVar aggregate classification (germline): Pathogenic (1 of 4 stars; one submission).

Conditions:
Spastic paraplegia. Identifiers: MedGen C0037772, HP:0001258.

Submission:

Labcorp Genetics (formerly Invitae), Labcorp
Classification: Pathogenic for Spastic paraplegia. Last evaluated: 2020-10-27. Review status: criteria provided, single submitter. Criteria: Invitae Variant Classification Sherloc (09022015). Collection method: clinical testing. Allele origin: germline.
Comment: This sequence change creates a premature translational stop signal (p.Glu103Glyfs*25) in the ZFYVE26 gene. It is expected to result in an absent or disrupted protein product. Loss-of-function variants in ZFYVE26 are known to be pathogenic (PMID: 18394578, 19805727). This variant is not present in population databases (ExAC no frequency). This variant has not been reported in the literature in individuals with ZFYVE26-related conditions. For these reasons, this variant has been classified as Pathogenic.

Literature cited by the submitters: PubMed 18394578; PubMed 19805727.

NM_015346.4(ZFYVE26):c.308del (p.Glu103fs)

Gene: ZFYVE26 (zinc finger FYVE-type containing 26; minus strand). Cytogenetic location: 14q24.1.
Variant type: Deletion.
Coding change: c.308del on transcript NM_015346.4 (MANE Select); coding-DNA position 308, one base deleted (A; older notation c.308delA).
Protein change: p.Glu103fs; shifts the reading frame from glutamic acid 103.
Molecular consequence: frameshift variant.
Genome position (GRCh38, 1-based): chr14:67,809,255, T deleted on the plus strand (A on the coding strand, the reverse complement: ZFYVE26 is on the minus strand). VCF-style (leftmost placement, unchanged base first): chr14-67809254-CT-C. GRCh37 (hg19) VCF-style: chr14-68275971-CT-C.
Other names: short protein forms E103fs.
Identifiers: ClinVar variation 1070842 (VCV001070842.7), dbSNP rs2140253820, ClinGen allele CA2499222717.